The following is an entry in ClinVar:

ClinVar aggregate classification (germline): Uncertain significance (1 of 4 stars; one submission).

Conditions:
Catecholaminergic polymorphic ventricular tachycardia 1. Also called: RYR2-Related Catecholaminergic Polymorphic Ventricular Tachycardia; VENTRICULAR TACHYCARDIA, STRESS-INDUCED POLYMORPHIC 1; VENTRICULAR TACHYCARDIA, CATECHOLAMINERGIC POLYMORPHIC, 1, WITH OR WITHOUT ATRIAL DYSFUNCTION AND/OR DILATED CARDIOMYOPATHY. Identifiers: Orphanet 3286, MedGen C1631597, MONDO:0011484, OMIM 604772.

Allele frequency attached by ClinVar (database versions not stated): gnomAD exomes below 0.00001; ExAC 0.00001.
gnomAD v4.1: 1 of 1,612,346 alleles (0.000062%); highest among the groups gnomAD compares: South Asian, 0.0011%; no homozygotes.

Submission:

Labcorp Genetics (formerly Invitae), Labcorp
Classification: Uncertain significance for Catecholaminergic polymorphic ventricular tachycardia 1. Last evaluated: 2022-09-23. Review status: criteria provided, single submitter. Criteria: Invitae Variant Classification Sherloc (09022015). Collection method: clinical testing. Allele origin: germline.
Comment: This sequence change replaces lysine, which is basic and polar, with glutamic acid, which is acidic and polar, at codon 2370 of the RYR2 protein (p.Lys2370Glu). This variant is present in population databases (rs764388741, gnomAD 0.003%). This variant has not been reported in the literature in individuals affected with RYR2-related conditions. Advanced modeling of protein sequence and biophysical properties (such as structural, functional, and spatial information, amino acid conservation, physicochemical variation, residue mobility, and thermodynamic stability) performed at Invitae indicates that this missense variant is not expected to disrupt RYR2 protein function. In summary, the available evidence is currently insufficient to determine the role of this variant in disease. Therefore, it has been classified as a Variant of Uncertain Significance.

NM_001035.3(RYR2):c.7108A>G (p.Lys2370Glu)

Gene: RYR2 (ryanodine receptor 2; plus strand). Cytogenetic location: 1q43.
Variant type: single nucleotide variant.
Coding change: c.7108A>G on transcript NM_001035.3 (MANE Select); coding-DNA position 7108, A replaced by G.
Protein change: p.Lys2370Glu; replaces lysine 2370 with glutamic acid.
Molecular consequence: missense variant.
Genome position (GRCh38, 1-based): chr1:237,639,194, A>G. VCF-style: chr1-237639194-A-G. GRCh37 (hg19) VCF-style: chr1-237802494-A-G.
Other names: short protein forms K2370E.
Identifiers: ClinVar variation 2087176 (VCV002087176.4), dbSNP rs764388741, ClinGen allele CA087283.